The following is an entry in ClinVar:

ClinVar aggregate classification (germline): Uncertain significance (1 of 4 stars; one submission).

Conditions:
Inborn genetic diseases. Identifiers: MedGen C0950123, MeSH D030342.

gnomAD v4.1: 4 of 1,614,136 alleles (0.00025%); highest among the groups gnomAD compares: Non-Finnish European, 0.00034%; no homozygotes.

Submission:

Ambry Genetics
Classification: Uncertain significance for Inborn genetic diseases. Last evaluated: 2024-03-24. Review status: criteria provided, single submitter. Criteria: Ambry Variant Classification Scheme 2023. Collection method: clinical testing. Allele origin: germline.
Comment: The p.H700Y variant (also known as c.2098C>T), located in coding exon 22 of the ERCC2 gene, results from a C to T substitution at nucleotide position 2098. The histidine at codon 700 is replaced by tyrosine, an amino acid with similar properties. This amino acid position is conserved. In addition, the in silico prediction for this alteration is inconclusive. Based on the available evidence, the clinical significance of this alteration remains unclear.

NM_000400.4(ERCC2):c.2098C>T (p.His700Tyr)

Gene: ERCC2 (ERCC excision repair 2, TFIIH core complex helicase subunit; minus strand). Cytogenetic location: 19q13.32.
Variant type: single nucleotide variant.
Coding change: c.2098C>T on transcript NM_000400.4 (MANE Select); coding-DNA position 2098, C replaced by T.
Protein change: p.His700Tyr; replaces histidine 700 with tyrosine.
Molecular consequence: missense variant.
Genome position (GRCh38, 1-based): chr19:45,352,301, G>A on the plus strand (C>T on the coding strand, the complement: ERCC2 is on the minus strand). VCF-style: chr19-45352301-G-A. GRCh37 (hg19) VCF-style: chr19-45855559-G-A.
Other names: short protein forms H700Y.
Identifiers: ClinVar variation 3276233 (VCV003276233.1).